The following is an entry in ClinVar:

ClinVar aggregate classification (germline): Uncertain significance (1 of 4 stars; one submission).

Submission:

GeneDx
Classification: Uncertain significance. Last evaluated: 2022-12-27. Review status: criteria provided, single submitter. Criteria: GeneDx Variant Classification Process June 2021. Collection method: clinical testing. Allele origin: germline. Affected: yes.
Comment: Not observed at significant frequency in large population cohorts (gnomAD); In silico analysis supports that this missense variant has a deleterious effect on protein structure/function; Has not been previously published as pathogenic or benign to our knowledge

NM_003097.6(SNRPN):c.324G>T (p.Arg108Ser)

Genes: SNHG14 (small nucleolar RNA host gene 14; plus strand), SNRPN (small nuclear ribonucleoprotein polypeptide N; plus strand), SNURF (SNRPN upstream open reading frame; plus strand). Cytogenetic location: 15q11.2.
Variant type: single nucleotide variant.
Coding change: c.324G>T on transcript NM_003097.6 (MANE Select); coding-DNA position 324, G replaced by T.
Protein change: p.Arg108Ser; replaces arginine 108 with serine.
Molecular consequence: missense variant. On other transcripts: 3 prime UTR variant (1), non-coding transcript variant (1).
Genome position (GRCh38, 1-based): chr15:24,976,933, G>T. VCF-style: chr15-24976933-G-T. GRCh37 (hg19) VCF-style: chr15-25222080-G-T.
Other names: c.324G>T, p.Arg108Ser (NM_001400635.1, NM_001400647.1, NM_001400649.1 and 99 more transcripts); c.*512G>T (NM_005678.5); c.336G>T, p.Arg112Ser (NM_001378251.1, NM_001378252.1, NM_001378253.1 and 2 more transcripts); c.300G>T, p.Arg100Ser (NM_001378256.1, NM_001378257.1, NM_001400767.1); c.60G>T, p.Arg20Ser (NM_001400768.1); short protein forms R100S, R108S, R112S, R20S.
Identifiers: ClinVar variation 2507138 (VCV002507138.1), dbSNP rs2552152738, ClinGen allele CA391341534.